The following is an entry in ClinVar:

ClinVar aggregate classification (germline): Uncertain significance. Review status: criteria provided, multiple submitters, no conflicts (2 of 4 stars). 2 submissions from 2 submitters: Uncertain significance (2). Last evaluated 2024-09-08.

Conditions:
Hereditary cancer-predisposing syndrome. Also called: Neoplastic Syndromes, Hereditary; Tumor predisposition; Hereditary Cancer Syndrome; Hereditary neoplastic syndrome. Identifiers: Orphanet 140162, MedGen C0027672, MeSH D009386, MONDO:0015356.
Gastrointestinal stromal tumor. Also called: Gastrointestinal stromal tumor, somatic; Gastrointestinal stroma tumor. Identifiers: Orphanet 44890, MedGen C0238198, MeSH D046152, MONDO:0011719, OMIM 606764, HP:0100723.

Submissions (2):

Ambry Genetics
Classification: Uncertain significance for Hereditary cancer-predisposing syndrome. Last evaluated: 2024-09-08. Review status: criteria provided, single submitter. Criteria: Ambry Variant Classification Scheme 2023. Collection method: clinical testing. Allele origin: germline.

Labcorp Genetics (formerly Invitae), Labcorp
Classification: Uncertain significance for Gastrointestinal stromal tumor. Last evaluated: 2023-02-25. Review status: criteria provided, single submitter. Criteria: Invitae Variant Classification Sherloc (09022015). Collection method: clinical testing. Allele origin: germline.
Comment: In summary, the available evidence is currently insufficient to determine the role of this variant in disease. Therefore, it has been classified as a Variant of Uncertain Significance. Advanced modeling of protein sequence and biophysical properties (such as structural, functional, and spatial information, amino acid conservation, physicochemical variation, residue mobility, and thermodynamic stability) performed at Invitae indicates that this missense variant is not expected to disrupt PDGFRA protein function. This variant has not been reported in the literature in individuals affected with PDGFRA-related conditions. This variant is not present in population databases (gnomAD no frequency). This sequence change replaces threonine, which is neutral and polar, with isoleucine, which is neutral and non-polar, at codon 95 of the PDGFRA protein (p.Thr95Ile).

NM_006206.6(PDGFRA):c.284C>T (p.Thr95Ile)

Gene: PDGFRA (platelet derived growth factor receptor alpha; plus strand). Cytogenetic location: 4q12.
Variant type: single nucleotide variant.
Coding change: c.284C>T on transcript NM_006206.6 (MANE Select); coding-DNA position 284, C replaced by T.
Protein change: p.Thr95Ile; replaces threonine 95 with isoleucine.
Molecular consequence: missense variant.
Genome position (GRCh38, 1-based): chr4:54,261,329, C>T. VCF-style: chr4-54261329-C-T. GRCh37 (hg19) VCF-style: chr4-55127496-C-T.
Other names: c.284C>T, p.Thr95Ile (NM_001347827.2, NM_001347829.2); c.359C>T, p.Thr120Ile (NM_001347828.2); c.323C>T, p.Thr108Ile (NM_001347830.2); short protein forms T95I, T108I, T120I.
Identifiers: ClinVar variation 2840868 (VCV002840868.4), dbSNP rs2475423043, ClinGen allele CA356888787.
Genomic context (GRCh38, chr4:54,261,329, plus strand): 5'-AAAACAACAGCGGCCTTTTTGTGACGGTCTTGGAAGTGAGCAGTGCCTCGGCGGCCCACA[C>T]AGGGTTGTACACTTGCTATTACAACCACACTCAGACAGAAGAGAATGAGCTTGAAGGCAG-3'
Protein context (NP_006197.1, residues 85-105): LEVSSASAAH[Thr95Ile]GLYTCYYNHT